The following is an entry in ClinVar:

ClinVar aggregate classification (germline): Uncertain significance. Review status: criteria provided, multiple submitters, no conflicts (2 of 4 stars). 2 submissions from 2 submitters: Uncertain significance (2). Last evaluated 2024-02-07.

Allele frequency attached by ClinVar (database versions not stated): TOPMed below 0.00001.

Submissions (2):

GeneDx
Classification: Uncertain significance. Last evaluated: 2024-02-07. Review status: criteria provided, single submitter. Criteria: GeneDx Variant Classification Process June 2021. Collection method: clinical testing. Allele origin: germline. Affected: yes.
Comment: Not observed at significant frequency in large population cohorts (gnomAD); In silico analysis supports that this missense variant does not alter protein structure/function; Has not been previously published as pathogenic or benign to our knowledge

Labcorp Genetics (formerly Invitae), Labcorp
Classification: Uncertain significance. Last evaluated: 2023-08-04. Review status: criteria provided, single submitter. Criteria: Invitae Variant Classification Sherloc (09022015). Collection method: clinical testing. Allele origin: germline.
Comment: ClinVar contains an entry for this variant (Variation ID: 1063580). In summary, the available evidence is currently insufficient to determine the role of this variant in disease. Therefore, it has been classified as a Variant of Uncertain Significance. An algorithm developed to predict the effect of missense changes on protein structure and function (PolyPhen-2) suggests that this variant is likely to be tolerated. This variant has not been reported in the literature in individuals affected with SAMD9L-related conditions. This variant is not present in population databases (gnomAD no frequency). This sequence change replaces glutamic acid, which is acidic and polar, with lysine, which is basic and polar, at codon 1245 of the SAMD9L protein (p.Glu1245Lys).

NM_152703.5(SAMD9L):c.3733G>A (p.Glu1245Lys)

Gene: SAMD9L (sterile alpha motif domain containing 9 like; minus strand). Cytogenetic location: 7q21.2.
Variant type: single nucleotide variant.
Coding change: c.3733G>A on transcript NM_152703.5 (MANE Select); coding-DNA position 3733, G replaced by A.
Protein change: p.Glu1245Lys; replaces glutamic acid 1245 with lysine.
Molecular consequence: missense variant.
Genome position (GRCh38, 1-based): chr7:93,132,239, C>T on the plus strand (G>A on the coding strand, the complement: SAMD9L is on the minus strand). VCF-style: chr7-93132239-C-T. GRCh37 (hg19) VCF-style: chr7-92761552-C-T.
Other names: c.3733G>A, p.Glu1245Lys (NM_001303496.3, NM_001303497.3, NM_001303498.3 and 5 more transcripts); c.3733G>A (NM_152703.3); short protein forms E1245K.
Identifiers: ClinVar variation 1063580 (VCV001063580.8), dbSNP rs1792149440, ClinGen allele CA368180326.